The following is an entry in ClinVar:

ClinVar aggregate classification (germline): Conflicting classifications of pathogenicity. Review status: criteria provided, conflicting classifications (1 of 4 stars). 2 submissions from 2 submitters: Uncertain significance (1); Likely benign (1). Last evaluated 2023-12-22.

Conditions:
Inborn genetic diseases. Identifiers: MedGen C0950123, MeSH D030342.

Allele frequency attached by ClinVar (database versions not stated): gnomAD exomes below 0.00001; gnomAD 0.00003; TOPMed 0.00005.
gnomAD v4.1: 6 of 1,613,812 alleles (0.00037%); highest among the groups gnomAD compares: Admixed American, 0.0083%; no homozygotes.

Submissions (2):

Ambry Genetics
Classification: Likely benign for Inborn genetic diseases. Last evaluated: 2023-12-22. Review status: criteria provided, single submitter. Criteria: Ambry Variant Classification Scheme 2023. Collection method: clinical testing. Allele origin: germline.

Labcorp Genetics (formerly Invitae), Labcorp
Classification: Uncertain significance. Last evaluated: 2022-07-17. Review status: criteria provided, single submitter. Criteria: Invitae Variant Classification Sherloc (09022015). Collection method: clinical testing. Allele origin: germline.
Comment: In summary, the available evidence is currently insufficient to determine the role of this variant in disease. Therefore, it has been classified as a Variant of Uncertain Significance. Algorithms developed to predict the effect of missense changes on protein structure and function output the following: SIFT: "Tolerated"; PolyPhen-2: "Benign"; Align-GVGD: "Class C0". The tyrosine amino acid residue is found in multiple mammalian species, which suggests that this missense change does not adversely affect protein function. This variant has not been reported in the literature in individuals affected with OBSL1-related conditions. This variant is not present in population databases (gnomAD no frequency). This sequence change replaces histidine, which is basic and polar, with tyrosine, which is neutral and polar, at codon 1505 of the OBSL1 protein (p.His1505Tyr).

NM_015311.3(OBSL1):c.4513C>T (p.His1505Tyr)

Gene: OBSL1 (obscurin like cytoskeletal adaptor 1; minus strand). Cytogenetic location: 2q35.
Variant type: single nucleotide variant.
Coding change: c.4513C>T on transcript NM_015311.3 (MANE Select); coding-DNA position 4513, C replaced by T.
Protein change: p.His1505Tyr; replaces histidine 1505 with tyrosine.
Molecular consequence: missense variant.
Genome position (GRCh38, 1-based): chr2:219,556,116, G>A on the plus strand (C>T on the coding strand, the complement: OBSL1 is on the minus strand). VCF-style: chr2-219556116-G-A. GRCh37 (hg19) VCF-style: chr2-220420838-G-A.
Other names: c.4513C>T, p.His1505Tyr (NM_001173431.2); c.4513C>T (NM_015311.2); short protein forms H1505Y.
Identifiers: ClinVar variation 2191387 (VCV002191387.3), dbSNP rs1695978385, ClinGen allele CA350726814.
Genomic context (GRCh38, chr2:219,556,116, plus strand): 5'-GGCTCTCGCAGCCGTAGGTGCCCTGGTCGGCCAGTATGACACCATGGATGAAGAGGCGGT[G>A]GATGTGCCCATCCTGGGCCATGGACAGGCGAGAGTCGTGGGGCAGGGGCTGCCCACCTCG-3'
Protein context (NP_056126.1, residues 1495-1515): RLSMAQDGHI[His1505Tyr]RLFIHGVILA